The following is an entry in ClinVar:

ClinVar aggregate classification (germline): Uncertain significance (1 of 4 stars; one submission).

Submission:

Labcorp Genetics (formerly Invitae), Labcorp
Classification: Uncertain significance. Last evaluated: 2025-11-27. Review status: criteria provided, single submitter. Criteria: Invitae Variant Classification Sherloc (09022015). Collection method: clinical testing. Allele origin: germline.
Comment: This sequence change replaces methionine, which is neutral and non-polar, with valine, which is neutral and non-polar, at codon 661 of the NFKB1 protein (p.Met661Val). This variant is not present in population databases (gnomAD no frequency). This variant has not been reported in the literature in individuals affected with NFKB1-related conditions. Invitae Evidence Modeling of protein sequence and biophysical properties (such as structural, functional, and spatial information, amino acid conservation, physicochemical variation, residue mobility, and thermodynamic stability) indicates that this missense variant is not expected to disrupt NFKB1 protein function with a negative predictive value of 80%. In summary, the available evidence is currently insufficient to determine the role of this variant in disease. Therefore, it has been classified as a Variant of Uncertain Significance.

NM_003998.4(NFKB1):c.1981A>G (p.Met661Val)

Gene: NFKB1 (nuclear factor kappa B subunit 1; plus strand). Cytogenetic location: 4q24.
Variant type: single nucleotide variant.
Coding change: c.1981A>G on transcript NM_003998.4 (MANE Select); coding-DNA position 1981, A replaced by G.
Protein change: p.Met661Val; replaces methionine 661 with valine.
Molecular consequence: missense variant.
Genome position (GRCh38, 1-based): chr4:102,607,176, A>G. VCF-style: chr4-102607176-A-G. GRCh37 (hg19) VCF-style: chr4-103528333-A-G.
Other names: c.1978A>G, p.Met660Val (NM_001165412.2, NM_001319226.2, NM_001382627.1); c.1981A>G, p.Met661Val (NM_001382625.1, NM_001382626.1); c.1939A>G, p.Met647Val (NM_001382628.1); short protein forms M661V, M647V, M660V.
Identifiers: ClinVar variation 4694382 (VCV004694382.1).
Genomic context (GRCh38, chr4:102,607,176, plus strand): 5'-CCATCCTGTGACTGTCCCTTTGCTTGGACTCTAGGTCTGAATGCCATTCATCTAGCCATG[A>G]TGAGCAATAGCCTGCCATGTTTGCTGCTGCTGGTGGCCGCTGGGGCTGACGTCAATGCTC-3'
Protein context (NP_003989.2, residues 651-671): DGLNAIHLAM[Met661Val]SNSLPCLLLL